The following is an entry in ClinVar:

NM_000458.4(HNF1B):c.386_392del (p.Met129fs)

Gene: HNF1B (HNF1 homeobox B; minus strand). Cytogenetic location: 17q12.
Variant type: Deletion.
Coding change: c.386_392del on transcript NM_000458.4 (MANE Select); coding-DNA positions 386 to 392, 7 bases deleted (TGCAGCA; older notation c.386_392delTGCAGCA).
Protein change: p.Met129fs; shifts the reading frame from methionine 129.
Molecular consequence: frameshift variant.
Genome position (GRCh38, 1-based): chr17:37,739,592-37,739,598, TGCTGCA deleted on the plus strand (TGCAGCA on the coding strand, the reverse complement: HNF1B is on the minus strand); deleting any 7 consecutive bases within chr17:37,739,592-37,739,600 gives the same sequence; the c. name uses the placement nearest the transcript's 3' end. VCF-style (leftmost placement, unchanged base first): chr17-37739591-TTGCTGCA-T. GRCh37 (hg19) VCF-style: chr17-36099582-TTGCTGCA-T.
Other names: c.386_392del, p.Met129fs (NM_001165923.4, NM_001304286.2); short protein forms M129fs.
Identifiers: ClinVar variation 635705 (VCV000635705.1), dbSNP rs2511829671, ClinGen allele CA913190796.

ClinVar aggregate classification (germline): Pathogenic (1 of 4 stars; one submission).

Conditions:
Renal cysts and diabetes syndrome (RCAD). Also called: Familial hypoplastic, glomerulocystic kidney; MATURITY-ONSET DIABETES OF THE YOUNG, TYPE 5. Identifiers: Orphanet 93111, MedGen C0431693, MONDO:0007669, OMIM 137920.

Submission:

Institute of Human Genetics, FAU Erlangen, Friedrich-Alexander-Universität Erlangen-Nürnberg
Classification: Pathogenic for Renal cysts and diabetes syndrome. Last evaluated: 2019-07-06. Review status: criteria provided, single submitter. Criteria: ACMG Guidelines, 2015. Collection method: literature only. Allele origin: germline. Affected: yes.
Comment: This variant and it's classification has been reported by Vasileiou et al. 2019; DOI:10.1101/576918. The variants has previously been reported in PMID:24387224 as "c.384_390delCATGCAG codon 129" with clinical significance Pathogenic. It has been re-classified using InterVar and manual curation as Pathogenic based on PVS1 PM2 PP3.

Literature cited by the submitters: PubMed 24387224; DOI 10.1101/576918.